The following is an entry in ClinVar:

ClinVar aggregate classification (germline): Uncertain significance (1 of 4 stars; one submission).

Allele frequency attached by ClinVar (database versions not stated): TOPMed 0.00001; ExAC 0.00001.
gnomAD v4.1: 1 of 1,612,832 alleles (0.000062%); highest among the groups gnomAD compares: African/African-American, 0.0013%; no homozygotes.

Submission:

Labcorp Genetics (formerly Invitae), Labcorp
Classification: Uncertain significance. Last evaluated: 2022-05-31. Review status: criteria provided, single submitter. Criteria: Invitae Variant Classification Sherloc (09022015). Collection method: clinical testing. Allele origin: germline.
Comment: In summary, the available evidence is currently insufficient to determine the role of this variant in disease. Therefore, it has been classified as a Variant of Uncertain Significance. This sequence change replaces leucine, which is neutral and non-polar, with phenylalanine, which is neutral and non-polar, at codon 1127 of the ATR protein (p.Leu1127Phe). The frequency data for this variant in the population databases is considered unreliable, as metrics indicate poor data quality at this position in the gnomAD database. This variant has not been reported in the literature in individuals affected with ATR-related conditions. Algorithms developed to predict the effect of missense changes on protein structure and function are either unavailable or do not agree on the potential impact of this missense change (SIFT: "Tolerated"; PolyPhen-2: "Probably Damaging"; Align-GVGD: "Class C0").

NM_001184.4(ATR):c.3381G>T (p.Leu1127Phe)

Gene: ATR (ATR checkpoint kinase; minus strand). Cytogenetic location: 3q23.
Variant type: single nucleotide variant.
Coding change: c.3381G>T on transcript NM_001184.4 (MANE Select); coding-DNA position 3381, G replaced by T.
Protein change: p.Leu1127Phe; replaces leucine 1127 with phenylalanine.
Molecular consequence: missense variant.
Genome position (GRCh38, 1-based): chr3:142,542,734, C>A on the plus strand (G>T on the coding strand, the complement: ATR is on the minus strand). VCF-style: chr3-142542734-C-A. GRCh37 (hg19) VCF-style: chr3-142261576-C-A.
Other names: c.3189G>T, p.Leu1063Phe (NM_001354579.2); short protein forms L1127F, L1063F.
Identifiers: ClinVar variation 2195944 (VCV002195944.4), dbSNP rs757163714, ClinGen allele CA2650122.